The following is an entry in ClinVar:

NM_004104.5(FASN):c.3996G>C (p.Met1332Ile)

Gene: FASN (fatty acid synthase; minus strand). Cytogenetic location: 17q25.3.
Variant type: single nucleotide variant.
Coding change: c.3996G>C on transcript NM_004104.5 (MANE Select); coding-DNA position 3996, G replaced by C.
Protein change: p.Met1332Ile; replaces methionine 1332 with isoleucine.
Molecular consequence: missense variant.
Genome position (GRCh38, 1-based): chr17:82,085,608, C>G on the plus strand (G>C on the coding strand, the complement: FASN is on the minus strand). VCF-style: chr17-82085608-C-G. GRCh37 (hg19) VCF-style: chr17-80043484-C-G.
Other names: short protein forms M1332I.
Identifiers: ClinVar variation 1479656 (VCV001479656.8), dbSNP rs2034082378, ClinGen allele CA401549383.

ClinVar aggregate classification (germline): Uncertain significance (1 of 4 stars; one submission).

Conditions:
Epileptic encephalopathy. Identifiers: MedGen C0543888, HP:0200134.

Allele frequency attached by ClinVar (database versions not stated): gnomAD exomes below 0.00001.

Submission:

Labcorp Genetics (formerly Invitae), Labcorp
Classification: Uncertain significance for Epileptic encephalopathy. Last evaluated: 2021-01-20. Review status: criteria provided, single submitter. Criteria: Invitae Variant Classification Sherloc (09022015). Collection method: clinical testing. Allele origin: germline.
Comment: This sequence change replaces methionine with isoleucine at codon 1332 of the FASN protein (p.Met1332Ile). The methionine residue is moderately conserved and there is a small physicochemical difference between methionine and isoleucine. This variant is not present in population databases (ExAC no frequency). This variant has not been reported in the literature in individuals with FASN-related conditions. Algorithms developed to predict the effect of missense changes on protein structure and function (SIFT, PolyPhen-2, Align-GVGD) all suggest that this variant is likely to be tolerated, but these predictions have not been confirmed by published functional studies and their clinical significance is uncertain. In summary, the available evidence is currently insufficient to determine the role of this variant in disease. Therefore, it has been classified as a Variant of Uncertain Significance.